The following is an entry in ClinVar:

NM_001308093.3(GATA4):c.1150-1G>A

Gene: GATA4 (GATA binding protein 4). Cytogenetic location: 8p23.1.
Variant type: single nucleotide variant.
Coding change: c.1150-1G>A on transcript NM_001308093.3 (MANE Select); the canonical splice acceptor site of the intron before coding-DNA position 1150, G replaced by A.
Molecular consequence: splice acceptor variant.
Genome position (GRCh38, 1-based): chr8:11,758,292, G>A. VCF-style: chr8-11758292-G-A. GRCh37 (hg19) VCF-style: chr8-11615801-G-A.
Other names: c.529-1G>A (NM_001308094.2, NM_001374273.1); c.1147-1G>A (NM_002052.5); c.403-1G>A (NM_001374274.1).
Identifiers: ClinVar variation 4028528 (VCV004028528.1).

ClinVar aggregate classification (germline): Uncertain significance (1 of 4 stars; one submission).

Conditions:
Cardiovascular phenotype. Identifiers: MedGen CN230736.

gnomAD v4.1: 1 of 1,614,128 alleles (0.000062%); no homozygotes.

Submission:

Ambry Genetics
Classification: Uncertain significance for Cardiovascular phenotype. Last evaluated: 2025-03-21. Review status: criteria provided, single submitter. Criteria: Ambry Variant Classification Scheme 2023. Collection method: clinical testing. Allele origin: germline.
Comment: The c.1147-1G>A intronic variant results from a G to A substitution one nucleotide upstream from coding exon 6 of the GATA4 gene. This alteration occurs at the 3' terminus of the GATA4 gene, is not expected to trigger nonsense-mediated mRNA decay, and only impacts the last 13% of the protein. The exact functional effect of this alteration is unknown. This nucleotide position is highly conserved in available vertebrate species. In silico splice site analysis predicts that this alteration will weaken the native splice acceptor site and may result in the creation or strengthening of a novel splice acceptor site. Based on the available evidence, the clinical significance of this variant remains unclear.